The following is an entry in ClinVar:

ClinVar aggregate classification (germline): Likely benign (0 of 4 stars; one submission).

Conditions:
MAPK3-related disorder. Also called: MAPK3-related condition.

Allele frequency attached by ClinVar (database versions not stated): ESP Exome Variant Server 0.00008; gnomAD exomes 0.00018; ExAC 0.00021; gnomAD 0.00027; TOPMed 0.00028; 1000 Genomes Project 0.00040; 1000 Genomes Project 30x 0.00047.
gnomAD v4.1: 308 of 1,599,700 alleles (0.019%); highest among the groups gnomAD compares: East Asian, 0.088%; 1 homozygote.

Submission:

PreventionGenetics, part of Exact Sciences
Classification: Likely benign for MAPK3-related condition. Last evaluated: 2019-02-22. Review status: no assertion criteria provided. Collection method: clinical testing. Allele origin: germline.
Comment: This variant is classified as likely benign based on ACMG/AMP sequence variant interpretation guidelines (Richards et al. 2015 PMID: 25741868, with internal and published modifications).

NM_002746.3(MAPK3):c.477C>T (p.Ser159=)

Gene: MAPK3 (mitogen-activated protein kinase 3; minus strand). Cytogenetic location: 16p11.2.
Variant type: single nucleotide variant.
Coding change: c.477C>T on transcript NM_002746.3 (MANE Select); coding-DNA position 477, C replaced by T.
Protein change: p.Ser159=; no amino-acid change (serine 159 retained).
Molecular consequence: synonymous variant.
Genome position (GRCh38, 1-based): chr16:30,118,415, G>A on the plus strand (C>T on the coding strand, the complement: MAPK3 is on the minus strand). VCF-style: chr16-30118415-G-A. GRCh37 (hg19) VCF-style: chr16-30129736-G-A.
Other names: c.477C>T, p.Ser159= (NM_001040056.3, NM_001109891.2).
Identifiers: ClinVar variation 3047898 (VCV003047898.2), dbSNP rs142560490, ClinGen allele CA8002849.